The following is an entry in ClinVar:

ClinVar aggregate classification (germline): Uncertain significance (1 of 4 stars; one submission).

Submission:

CeGaT Center for Human Genetics Tuebingen
Classification: Uncertain significance. Last evaluated: 2026-07-01. Review status: criteria provided, single submitter. Criteria: CeGaT Center For Human Genetics Tuebingen Variant Classification Criteria Version 2. Collection method: clinical testing. Allele origin: germline. Affected: yes. Observed: 1 variant allele.
Comment: IL17RD: PM2

NM_017563.5(IL17RD):c.712C>G (p.His238Asp)

Gene: IL17RD (interleukin 17 receptor D; minus strand). Cytogenetic location: 3p14.3.
Variant type: single nucleotide variant.
Coding change: c.712C>G on transcript NM_017563.5 (MANE Select); coding-DNA position 712, C replaced by G.
Protein change: p.His238Asp; replaces histidine 238 with aspartic acid.
Molecular consequence: missense variant.
Genome position (GRCh38, 1-based): chr3:57,105,892, G>C on the plus strand (C>G on the coding strand, the complement: IL17RD is on the minus strand). VCF-style: chr3-57105892-G-C. GRCh37 (hg19) VCF-style: chr3-57139920-G-C.
Other names: c.280C>G, p.His94Asp (NM_001318864.2); short protein forms H238D, H94D.
Identifiers: ClinVar variation 5040265 (VCV005040265.1).
Genomic context (GRCh38, chr3:57,105,892, plus strand): 5'-CCTTTATATACACCCAGCAGCTCACCTGCTTACAGGTCTTTCGCTTGAAAGGTCCTTCGT[G>C]CTTGAGCTTGTAGTGAAGATAGAAGAAACGGAAGCCGAAGTTGTGCGGTGCATGGTCGAA-3'
Protein context (NP_060033.3, residues 228-248): RFFYLHYKLK[His238Asp]EGPFKRKTCK